The following is an entry in ClinVar:

ClinVar aggregate classification (germline): Pathogenic/Likely pathogenic. Review status: criteria provided, multiple submitters, no conflicts (2 of 4 stars). 15 submissions from 15 submitters: Pathogenic (11); Likely pathogenic (3). 1 of the submissions does not count toward it. Last evaluated 2026-07-06.

Conditions:
ACADVL-related disorder. Also called: ACADVL-related condition.
Very long chain acyl-CoA dehydrogenase deficiency (ACADVLD). Also called: VLCAD Deficiency; Very Long-Chain Acyl-Coenzyme A Dehydrogenase Deficiency. Identifiers: Orphanet 26793, MedGen C3887523, MONDO:0008723, OMIM 201475.

Allele frequency attached by ClinVar (database versions not stated): 1000 Genomes Project 30x 0.00031; gnomAD 0.00009; ESP Exome Variant Server 0.00008; TOPMed 0.00006.
gnomAD v4.1: 109 of 1,614,054 alleles (0.0068%); highest among the groups gnomAD compares: African/African-American, 0.012%; no homozygotes.

Submissions (15):

PreventionGenetics, part of Exact Sciences
Classification: Likely pathogenic for ACADVL-related condition. Last evaluated: 2026-07-06. Review status: criteria provided, single submitter. Criteria: ACMG Guidelines, 2015. Collection method: clinical testing. Allele origin: germline.
Comment: The ACADVL c.520G>A variant is predicted to result in the amino acid substitution p.Val174Met. This variant has been reported in the homozygous state or with a second ACADVL variant in individuals with clinical and/or biochemical features consistent with very long chain acyl-CoA dehydrogenase deficiency (VLCADD) (described as 520G>A, V134M in Andresen et al. 1999. PubMed ID: 9973285; Gobin-Limballe et al. 2010. PubMed ID: 20060901; Merinero et al. 2017. PubMed ID: 28755359; Lin et al. 2020. PubMed ID: 32710939). Fatty acid oxidation was reported to be reduced to 27% of control in fibroblasts from a patient homozygous for the c.520G>A (p.Val174Met) variant (Gobin-Limballe et al. 2010. PubMed ID: 20060901). An alternative substitution impacting the same amino acid has also been reported in a patient with abnormal newborn screen results suggestive of VLCADD (Merritt et al. 2014. PubMed ID: 24503138). The c.520G>A, p.Val174Met variant is reported in 0.016% of alleles in individuals of African descent in gnomAD. This variant is interpreted as likely pathogenic or pathogenic in ClinVar by several outside laboratories (Variation ID: 92286). Taken together, we interpret this variant as likely pathogenic.

Labcorp Genetics (formerly Invitae), Labcorp
Classification: Pathogenic for Very long chain acyl-CoA dehydrogenase deficiency. Last evaluated: 2026-01-10. Review status: criteria provided, single submitter. Criteria: Invitae Variant Classification Sherloc (09022015). Collection method: clinical testing. Allele origin: germline.
Comment: This sequence change replaces valine, which is neutral and non-polar, with methionine, which is neutral and non-polar, at codon 174 of the ACADVL protein (p.Val174Met). This variant is present in population databases (rs369560930, gnomAD 0.02%). This missense change has been observed in individual(s) with very long-chain acyl-CoA dehydrogenase deficiency (PMID: 17999356, 18670371, 23430950, 26881790, 28755359). This variant is also known as p.Val134Met. ClinVar contains an entry for this variant (Variation ID: 92286). Invitae Evidence Modeling of protein sequence and biophysical properties (such as structural, functional, and spatial information, amino acid conservation, physicochemical variation, residue mobility, and thermodynamic stability) has been performed for this missense variant. However, the output from this modeling did not meet the statistical confidence thresholds required to predict the impact of this variant on ACADVL protein function. For these reasons, this variant has been classified as Pathogenic.

Natera, Inc.
Classification: Pathogenic for Very long chain acyl-CoA dehydrogenase deficiency. Last evaluated: 2025-09-01. Review status: criteria provided, single submitter. Criteria: Natera Variant Classification Schema (03/2026). Collection method: clinical testing. Allele origin: germline.
Comment: The c.520G>A variant in ACADVL is a missense variant predicted to cause substitution of valine to methionine at amino acid 174. This variant is rare in the general population with a frequency below the threshold expected for the associated phenotype(s). This variant has been observed in one or more individuals affected with the associated recessive disease, as either homozygous or compound heterozygous with a second variant (PMID: 28755359, 18670371, 21378393, 17999356, 23430950). Computational prediction algorithms indicate this variant is likely to affect gene or protein function. Given the available evidence, this variant is classified as Pathogenic.

Revvity Omics, Revvity
Classification: Pathogenic for Very long chain acyl-CoA dehydrogenase deficiency. Last evaluated: 2024-12-13. Review status: criteria provided, single submitter. Criteria: ACMG Guidelines, 2015. Collection method: clinical testing. Allele origin: germline.

Blueprint Genetics
Classification: Pathogenic for ACADVL-related disorders. Last evaluated: 2024-07-22. Review status: criteria provided, single submitter. Criteria: ACMG Guidelines, 2015. Collection method: clinical testing. Allele origin: germline. Affected: yes. Observed: 2 variant alleles.

Fulgent Genetics
Classification: Pathogenic for Very long chain acyl-CoA dehydrogenase deficiency. Last evaluated: 2024-05-21. Review status: criteria provided, single submitter. Criteria: ACMG Guidelines, 2015. Collection method: clinical testing. Allele origin: germline.

Baylor Genetics
Classification: Pathogenic for Very long chain acyl-CoA dehydrogenase deficiency. Last evaluated: 2024-02-15. Review status: criteria provided, single submitter. Criteria: ACMG Guidelines, 2015. Collection method: clinical testing. Allele origin: unknown.

Mayo Clinic Laboratories, Mayo Clinic
Classification: Pathogenic. Last evaluated: 2023-01-19. Review status: criteria provided, single submitter. Criteria: ACMG Guidelines, 2015. Collection method: clinical testing. Allele origin: germline. Observed: 1 variant allele.
Comment: PP4, PM2, PM3_strong, PS3

ARUP Laboratories, Molecular Genetics and Genomics, ARUP Laboratories
Classification: Pathogenic for Very long chain acyl-CoA dehydrogenase deficiency. Last evaluated: 2021-01-01. Review status: criteria provided, single submitter. Criteria: ARUP Molecular Germline Variant Investigation Process 2021. Collection method: clinical testing. Allele origin: germline.
Comment: The ACADVL c.520G>A; p.Val174Met variant (rs369560930), also known as Val134Met, has been identified in individuals with very long-chain acyl-CoA dehydrogenase (VLCAD) deficiency, who are compound heterozygous or homozygous carriers (Andresen 1999, Diekman 2016, Gobin-Limballe 2010, Tajima 2008). It is reported as likely pathogenic and pathogenic in ClinVar (Variation ID: 92286) and is observed in the general population at a low overall frequency of 0.006% (17/277192) in the Genome Aggregation Database. The valine at codon 174 is moderately conserved and computational algorithms (SIFT, PolyPhen2) predict this variant to be deleterious. Additionally, functional studies of a patient’s fibroblasts with homozygous p.Val174Met demonstrated FAO capacities that were 27% of the normal level (Gobin-Limballe 2010). Based on available information, this variant is considered pathogenic. REFERENCES Andresen B et al. Clear correlation of genotype with disease phenotype in very-long-chain acyl-CoA dehydrogenase deficiency. Am J Hum Genet. 1999 Feb;64(2):479-94. Diekman E et al. Altered Energetics of Exercise Explain Risk of Rhabdomyolysis in Very Long-Chain Acyl-CoA Dehydrogenase Deficiency. PLoS One. 2016 Feb 16;11(2):e0147818. Gobin-Limballe S et al. Compared effects of missense mutations in Very-Long-Chain Acyl-CoA Dehydrogenase deficiency: Combined analysis by structural, functional and pharmacological approaches. Biochim Biophys Acta. 2010 May;1802(5):478-84. Tajima G et al. Development of a new enzymatic diagnosis method for very-long-chain Acyl-CoA dehydrogenase deficiency by detecting 2-hexadecenoyl-CoA production and its application in tandem mass spectrometry-based selective screening and newborn screening in Japan. Pediatr Res. 2008 Dec;64(6):667-72.

Wong Mito Lab, Molecular and Human Genetics, Baylor College of Medicine
Classification: Pathogenic for Very long chain acyl-CoA dehydrogenase deficiency. Last evaluated: 2019-11-01. Review status: criteria provided, single submitter. Criteria: ACMG Guidelines, 2015. Collection method: clinical testing. Allele origin: germline.
Comment: The NM_000018.3:c.520G>A (NP_000009.1:p.Val174Met) [GRCH38: NC_000017.11:g.7221580G>A] variant in ACADVL gene is interpretated to be Pathogenic based on ACMG guidelines (PMID: 25741868). This variant has been reported in PMID: 9973285. This variant meets the following evidence codes reported in the ACMG guidelines: PS1, PS3

Women's Health and Genetics/Laboratory Corporation of America, LabCorp
Classification: Likely pathogenic for Very long chain acyl-CoA dehydrogenase deficiency. Last evaluated: 2019-08-18. Review status: criteria provided, single submitter. Criteria: LabCorp Variant Classification Summary - May 2015. Collection method: clinical testing. Allele origin: germline.
Comment: Variant summary: ACADVL c.520G>A (p.Val174Met) results in a conservative amino acid change located in the Acyl-CoA dehydrogenase/oxidase, N-terminal domain (IPR013786) of the encoded protein sequence. Four of five in-silico tools predict a damaging effect of the variant on protein function. The variant allele was found at a frequency of 4.4e-05 in 251474 control chromosomes. This frequency is not significantly higher than expected for a pathogenic variant in ACADVL causing Very Long Chain Acyl-CoA Dehydrogenase Deficiency (4.4e-05 vs 0.0029), allowing no conclusion about variant significance. c.520G>A has been reported in the literature in individuals affected with Very Long Chain Acyl-CoA Dehydrogenase Deficiency (Andersen_1999, Gobin-Limballe_2007, Tajima_2008, Zweers_2012, Merinero_2018). These data indicate that the variant is likely to be associated with disease. At least one publication reports experimental evidence evaluating an impact on protein function. The most pronounced variant effect results in 10%-<30% of normal activity in the homozygous state and its characterization as a mild-mutation (Gobin-Limballe_2010). Five clinical diagnostic laboratories have submitted clinical-significance assessments for this variant to ClinVar after 2014 without evidence for independent evaluation. All laboratories classified the variant as pathogenic (n=2)/likely pathogenic (n=3). Based on the evidence outlined above, the variant was classified as likely pathogenic.

GeneDx
Classification: Likely pathogenic. Last evaluated: 2017-09-26. Review status: criteria provided, single submitter. Criteria: GeneDx Variant Classification (06012015). Collection method: clinical testing. Allele origin: germline. Affected: yes.
Comment: The V174M missense variant has been previously reported in association with very long chain acyl-CoA dehydrogenase (VLCAD) deficiency (Tajima et al., 2008; Gobin-Limballe et al., 2010; Andresen et al., 1999). V174M is reported to likely be a mild ACADVL variant as fibroblasts homozygous for V174M showed enzyme activity equivalent to 27% of normal levels (Gobin-Limballe et al., 2010). The V174M variant was not observed with any significant frequency in approximately 6500 individuals of European and African American ancestry in the NHLBI Exome Sequencing Project. The V174M substitution occurs at a position where amino acids with similar properties to Valine are tolerated across species. In silico analysis is inconsistent in its predictions as to whether or not the variant is damaging to the protein structure/function. In summary, we interpret V174M as likely pathogenic.

Eurofins Ntd Llc (ga)
Classification: Pathogenic. Last evaluated: 2015-03-23. Review status: criteria provided, single submitter. Criteria: EGL Classification Definitions. Collection method: clinical testing. Allele origin: germline. Observed: 4 variant alleles, 4 heterozygotes.

Suma Genomics
Classification: Pathogenic for Very long chain acyl-CoA dehydrogenase deficiency. Review status: criteria provided, single submitter. Criteria: ACMG Guidelines, 2015. Collection method: clinical testing. Allele origin: inherited. Inheritance: Autosomal recessive inheritance. Affected: yes.

Counsyl
Classification: Likely pathogenic for Very long chain acyl-CoA dehydrogenase deficiency. Last evaluated: 2016-07-21. Review status: no assertion criteria provided. Collection method: clinical testing. Allele origin: unknown. Not counted in ClinVar's aggregate classification.

Literature cited by the submitters: PubMed 17999356 (cited by 5 submitters); PubMed 18670371 (cited by 5 submitters); PubMed 23430950 (cited by 5 submitters); PubMed 26881790 (cited by 3 submitters); PubMed 28755359 (cited by 4 submitters); PubMed 21378393 (cited by Natera, Inc.); PubMed 20060901 (cited by 3 submitters); PubMed 30194637 (cited by Mayo Clinic Laboratories, Mayo Clinic); PubMed 35281663 (cited by Mayo Clinic Laboratories, Mayo Clinic); PubMed 36078043 (cited by Mayo Clinic Laboratories, Mayo Clinic); PubMed 9973285 (cited by 4 submitters).

NM_000018.4(ACADVL):c.520G>A (p.Val174Met)

Gene: ACADVL (acyl-CoA dehydrogenase very long chain; plus strand). Cytogenetic location: 17p13.1.
Variant type: single nucleotide variant.
Coding change: c.520G>A on transcript NM_000018.4 (MANE Select); coding-DNA position 520, G replaced by A.
Protein change: p.Val174Met; replaces valine 174 with methionine.
Molecular consequence: missense variant.
Genome position (GRCh38, 1-based): chr17:7,221,580, G>A. VCF-style: chr17-7221580-G-A. GRCh37 (hg19) VCF-style: chr17-7124899-G-A.
Other names: c.454G>A, p.Val152Met (NM_001033859.3); c.589G>A, p.Val197Met (NM_001270447.2); c.292G>A, p.Val98Met (NM_001270448.2); short protein forms V174M, V98M, V152M, V197M.
Identifiers: ClinVar variation 92286 (VCV000092286.39), dbSNP rs369560930, ClinGen allele CA220213.